The following is an entry in ClinVar:

ClinVar aggregate classification (germline): Uncertain significance (1 of 4 stars; one submission).

Submission:

GeneDx
Classification: Uncertain significance. Last evaluated: 2017-09-28. Review status: criteria provided, single submitter. Criteria: GeneDx Variant Classification (06012015). Collection method: clinical testing. Allele origin: germline. Affected: yes.
Comment: The C2182W variant in the FBN2 gene has not been reported previously as a pathogenic variant, nor as a benign variant, to our knowledge. The C2182W variant is not observed in large population cohorts (Lek et al., 2016). The C2182W variant is a non-conservative amino acid substitution, which is likely to impact secondary protein structure as these residues differ in polarity, charge, size and/or other properties. This substitution occurs at a position in a calcium-binding, EGF-like domain that is conserved across species, and in silico analysis predicts this variant is probably damaging to the protein structure/function. We interpret C2182W as a variant of uncertain significance.

NM_001999.4(FBN2):c.6546T>G (p.Cys2182Trp)

Gene: FBN2 (fibrillin 2; minus strand). Cytogenetic location: 5q23.3.
Variant type: single nucleotide variant.
Coding change: c.6546T>G on transcript NM_001999.4 (MANE Select); coding-DNA position 6546, T replaced by G.
Protein change: p.Cys2182Trp; replaces cysteine 2182 with tryptophan.
Molecular consequence: missense variant.
Genome position (GRCh38, 1-based): chr5:128,289,218, A>C on the plus strand (T>G on the coding strand, the complement: FBN2 is on the minus strand). VCF-style: chr5-128289218-A-C. GRCh37 (hg19) VCF-style: chr5-127624910-A-C.
Other names: short protein forms C2182W.
Identifiers: ClinVar variation 452401 (VCV000452401.2), dbSNP rs1554118137, ClinGen allele CA360761316.